The following is an entry in ClinVar:

NM_025114.4(CEP290):c.5619A>G (p.Leu1873=)

Gene: CEP290 (centrosomal protein 290; minus strand). Cytogenetic location: 12q21.32.
Variant type: single nucleotide variant.
Coding change: c.5619A>G on transcript NM_025114.4 (MANE Select); coding-DNA position 5619, A replaced by G.
Protein change: p.Leu1873=; no amino-acid change (leucine 1873 retained).
Molecular consequence: synonymous variant.
Genome position (GRCh38, 1-based): chr12:88,077,312, T>C on the plus strand (A>G on the coding strand, the complement: CEP290 is on the minus strand). VCF-style: chr12-88077312-T-C. GRCh37 (hg19) VCF-style: chr12-88471089-T-C.
Other names: c.5619A>G (NM_025114.3).
Identifiers: ClinVar variation 1107601 (VCV001107601.11), dbSNP rs2035852547, ClinGen allele CA481072283.

ClinVar aggregate classification (germline): Likely benign. Review status: criteria provided, multiple submitters, no conflicts (2 of 4 stars). 3 submissions from 3 submitters: Likely benign (2). 1 of the submissions does not count toward it. Last evaluated 2025-12-16.

Conditions:
CEP290-related disorder. Also called: CEP290-related condition; CEP290-related disorders. Identifiers: MedGen CN239314.
Meckel-Gruber syndrome. Also called: DYSENCEPHALIA SPLANCHNOCYSTICA; GRUBER SYNDROME; Dysencephalia splachnocystica. Identifiers: Orphanet 564, MedGen C0265215, MONDO:0018921.
Joubert syndrome. Also called: JOUBERT-BOLTSHAUSER SYNDROME; Familial aplasia of the vermis. Identifiers: Orphanet 475, MedGen C5979921, MONDO:0018772.
Nephronophthisis. Also called: Juvenile Nephronophthisis. Identifiers: Orphanet 655, MedGen C0687120, MONDO:0019005, HP:0000090.

Allele frequency attached by ClinVar (database versions not stated): TOPMed below 0.00001; gnomAD exomes 0.00001.
gnomAD v4.1: 8 of 1,584,324 alleles (0.0005%); highest among the groups gnomAD compares: Admixed American, 0.0052%; no homozygotes.

Submissions (3):

Labcorp Genetics (formerly Invitae), Labcorp
Classification: Likely benign for Joubert syndrome; Meckel-Gruber syndrome; Nephronophthisis. Last evaluated: 2025-12-16. Review status: criteria provided, single submitter. Criteria: Invitae Variant Classification Sherloc (09022015). Collection method: clinical testing. Allele origin: germline.

Blueprint Genetics
Classification: Likely benign. Last evaluated: 2024-10-30. Review status: criteria provided, single submitter. Criteria: ACMG Guidelines, 2015. Collection method: clinical testing. Allele origin: germline.

PreventionGenetics, part of Exact Sciences
Classification: Likely benign for CEP290-related condition. Last evaluated: 2021-11-12. Review status: no assertion criteria provided. Collection method: clinical testing. Allele origin: germline. Not counted in ClinVar's aggregate classification.
Comment: This variant is classified as likely benign based on ACMG/AMP sequence variant interpretation guidelines (Richards et al. 2015 PMID: 25741868, with internal and published modifications).